The following is an entry in ClinVar:

NM_001999.4(FBN2):c.3839C>G (p.Ser1280Trp)

Gene: FBN2 (fibrillin 2; minus strand). Cytogenetic location: 5q23.3.
Variant type: single nucleotide variant.
Coding change: c.3839C>G on transcript NM_001999.4 (MANE Select); coding-DNA position 3839, C replaced by G.
Protein change: p.Ser1280Trp; replaces serine 1280 with tryptophan.
Molecular consequence: missense variant.
Genome position (GRCh38, 1-based): chr5:128,335,463, G>C on the plus strand (C>G on the coding strand, the complement: FBN2 is on the minus strand). VCF-style: chr5-128335463-G-C. GRCh37 (hg19) VCF-style: chr5-127671155-G-C.
Other names: short protein forms S1280W.
Identifiers: ClinVar variation 3373723 (VCV003373723.1).

ClinVar aggregate classification (germline): Uncertain significance (1 of 4 stars; one submission).

Submission:

GeneDx
Classification: Uncertain significance. Last evaluated: 2024-03-05. Review status: criteria provided, single submitter. Criteria: GeneDx Variant Classification Process June 2021. Collection method: clinical testing. Allele origin: germline. Affected: yes.
Comment: Not observed at significant frequency in large population cohorts (gnomAD); In silico analysis is inconclusive as to whether the variant alters gene splicing. In the absence of RNA/functional studies, the actual effect of this sequence change is unknown.; In silico analysis supports that this missense variant has a deleterious effect on protein structure/function; Although located in a calcium-binding EGF-like domain of the FBN2 gene, it does not substitute or introduce a cysteine residue (PMID: 19006240, 18767143); Has not been previously published as pathogenic or benign to our knowledge; This variant is associated with the following publications: (PMID: 19006240, 18767143)